The following is an entry in ClinVar:

NM_000526.5(KRT14):c.1173G>A (p.Met391Ile)

Gene: KRT14 (keratin 14; minus strand). Cytogenetic location: 17q21.2.
Variant type: single nucleotide variant.
Coding change: c.1173G>A on transcript NM_000526.5 (MANE Select); coding-DNA position 1173, G replaced by A.
Protein change: p.Met391Ile; replaces methionine 391 with isoleucine.
Molecular consequence: missense variant.
Genome position (GRCh38, 1-based): chr17:41,583,336, C>T on the plus strand (G>A on the coding strand, the complement: KRT14 is on the minus strand). VCF-style: chr17-41583336-C-T. GRCh37 (hg19) VCF-style: chr17-39739588-C-T.
Other names: short protein forms M391I.
Identifiers: ClinVar variation 4743608 (VCV004743608.1).
Genomic context (GRCh38, chr17:41,583,336, plus strand): 5'-CTCCTGCTCCAGCCGCGTCTTCACGTCCAGCAGGATCTTGTACTCCTGGTTCTGCTGCTC[C>T]ATCTCGCAGCGGAGCTGGGCCAGCTGCTCCTCCACGCTGCCAATCATCTCCTGGATCTGG-3'
Protein context (NP_000517.3, residues 381-401): EEQLAQLRCE[Met391Ile]EQQNQEYKIL

ClinVar aggregate classification (germline): Uncertain significance (1 of 4 stars; one submission).

gnomAD v4.1: 1 of 1,613,662 alleles (0.000062%); highest among the groups gnomAD compares: African/African-American, 0.0013%; no homozygotes.

Submission:

Labcorp Genetics (formerly Invitae), Labcorp
Classification: Uncertain significance. Last evaluated: 2025-02-16. Review status: criteria provided, single submitter. Criteria: Invitae Variant Classification Sherloc (09022015). Collection method: clinical testing. Allele origin: germline.
Comment: This sequence change replaces methionine, which is neutral and non-polar, with isoleucine, which is neutral and non-polar, at codon 391 of the KRT14 protein (p.Met391Ile). This variant is not present in population databases (gnomAD no frequency). This variant has not been reported in the literature in individuals affected with KRT14-related conditions. Invitae Evidence Modeling of protein sequence and biophysical properties (such as structural, functional, and spatial information, amino acid conservation, physicochemical variation, residue mobility, and thermodynamic stability) indicates that this missense variant is not expected to disrupt KRT14 protein function with a negative predictive value of 80%. In summary, the available evidence is currently insufficient to determine the role of this variant in disease. Therefore, it has been classified as a Variant of Uncertain Significance.